The following is an entry in ClinVar:

NM_003482.4(KMT2D):c.12524C>A (p.Pro4175Gln)

Gene: KMT2D (lysine methyltransferase 2D; minus strand). Cytogenetic location: 12q13.12.
Variant type: single nucleotide variant.
Coding change: c.12524C>A on transcript NM_003482.4 (MANE Select); coding-DNA position 12524, C replaced by A.
Protein change: p.Pro4175Gln; replaces proline 4175 with glutamine.
Molecular consequence: missense variant.
Genome position (GRCh38, 1-based): chr12:49,032,181, G>T on the plus strand (C>A on the coding strand, the complement: KMT2D is on the minus strand). VCF-style: chr12-49032181-G-T. GRCh37 (hg19) VCF-style: chr12-49425964-G-T.
Other names: short protein forms P4175Q.
Identifiers: ClinVar variation 309022 (VCV000309022.60), dbSNP rs200315963, ClinGen allele CA6546195.

ClinVar aggregate classification (germline): Benign/Likely benign. Review status: criteria provided, multiple submitters, no conflicts (2 of 4 stars). 8 submissions from 8 submitters: Benign (1); Likely benign (6). 1 of the submissions does not count toward it. Last evaluated 2026-01-04.

Conditions:
KMT2D-related disorder. Also called: KMT2D-Related Disorders.
Kabuki syndrome. Also called: NIIKAWA-KUROKI SYNDROME; Kabuki make-up syndrome. Identifiers: Orphanet 2322, MedGen C0796004, MONDO:0016512.

Allele frequency attached by ClinVar (database versions not stated): ESP Exome Variant Server 0.00024; TOPMed 0.00024; gnomAD 0.00058 and 0.00062.
gnomAD v4.1: 625 of 1,612,882 alleles (0.039%); highest among the groups gnomAD compares: Non-Finnish European, 0.046%; 1 homozygote.

Submissions (8):

Labcorp Genetics (formerly Invitae), Labcorp
Classification: Likely benign for Kabuki syndrome. Last evaluated: 2026-01-04. Review status: criteria provided, single submitter. Criteria: Invitae Variant Classification Sherloc (09022015). Collection method: clinical testing. Allele origin: germline.

CeGaT Center for Human Genetics Tuebingen
Classification: Likely benign. Last evaluated: 2025-11-01. Review status: criteria provided, single submitter. Criteria: CeGaT Center For Human Genetics Tuebingen Variant Classification Criteria Version 2. Collection method: clinical testing. Allele origin: germline. Affected: yes. Observed: 14 variant alleles.
Comment: KMT2D: PP2, BP4, BS1

Laboratory of Genetics, Children's Clinical University Hospital Latvia
Classification: Likely benign. Last evaluated: 2025-02-16. Review status: criteria provided, single submitter. Criteria: ACMG Guidelines, 2015. Collection method: clinical testing. Allele origin: germline. Affected: yes.

Blueprint Genetics
Classification: Likely benign. Last evaluated: 2024-11-22. Review status: criteria provided, single submitter. Criteria: ACMG Guidelines, 2015. Collection method: clinical testing. Allele origin: germline.

ARUP Laboratories, Molecular Genetics and Genomics, ARUP Laboratories
Classification: Likely benign. Last evaluated: 2024-08-20. Review status: criteria provided, single submitter. Criteria: ARUP Molecular Germline Variant Investigation Process 2024. Collection method: clinical testing. Allele origin: germline.

GeneDx
Classification: Benign. Last evaluated: 2020-12-23. Review status: criteria provided, single submitter. Criteria: GeneDx Variant Classification Process June 2021. Collection method: clinical testing. Allele origin: germline. Affected: yes.

Center for Pediatric Genomic Medicine, Children's Mercy Hospital and Clinics
Classification: Likely benign. Last evaluated: 2017-08-10. Review status: criteria provided, single submitter. Criteria: ACMG Guidelines, 2015. Collection method: clinical testing. Allele origin: germline.

PreventionGenetics, part of Exact Sciences
Classification: Likely benign for KMT2D-related condition. Last evaluated: 2021-05-14. Review status: no assertion criteria provided. Collection method: clinical testing. Allele origin: germline. Not counted in ClinVar's aggregate classification.
Comment: This variant is classified as likely benign based on ACMG/AMP sequence variant interpretation guidelines (Richards et al. 2015 PMID: 25741868, with internal and published modifications).